The following is an entry in ClinVar:

ClinVar aggregate classification (germline): Pathogenic (1 of 4 stars; one submission).

Conditions:
Bifunctional peroxisomal enzyme deficiency (DBIF). Also called: DBP DEFICIENCY; D-bifunctional protein deficiency; PBFE DEFICIENCY. Identifiers: Orphanet 300, MedGen C0342870, MONDO:0009855, OMIM 261515. Disease mechanism: loss of function.

Submission:

3billion
Classification: Pathogenic for Bifunctional peroxisomal enzyme deficiency. Last evaluated: 2022-01-03. Review status: criteria provided, single submitter. Criteria: ACMG Guidelines, 2015. Collection method: clinical testing. Allele origin: germline. Affected: yes. Observed: 1 homozygote.
Comment: Frameshift: predicted to result in a loss or disruption of normal protein function through nonsense-mediated decay (NMD) or protein truncation. Multiple pathogenic variants are reported downstream of the variant (PVS1_VS). It is not observed in the gnomAD v2.1.1 dataset (PM2_M). Patient’s phenotype is considered compatible with HSD17B4-related disorder (PP4_P). Therefore, this variant is classified as pathogenic according to the recommendation of ACMG/AMP guideline.

NM_000414.4(HSD17B4):c.1984del (p.Ala662fs)

Gene: HSD17B4 (hydroxysteroid 17-beta dehydrogenase 4; plus strand). Cytogenetic location: 5q23.1.
Variant type: Deletion.
Coding change: c.1984del on transcript NM_000414.4 (MANE Select); coding-DNA position 1984, one base deleted (G; older notation c.1984delG).
Protein change: p.Ala662fs; shifts the reading frame from alanine 662.
Molecular consequence: frameshift variant. On other transcripts: non-coding transcript variant (2).
Genome position (GRCh38, 1-based): chr5:119,531,395, G deleted; the last of 4 consecutive G bases (chr5:119,531,392-119,531,395); deleting any one gives the same sequence. VCF-style (leftmost placement, unchanged base first): chr5-119531391-TG-T. GRCh37 (hg19) VCF-style: chr5-118867086-TG-T.
Other names: c.2059del, p.Ala687fs (NM_001199291.3); c.1930del, p.Ala644fs (NM_001199292.2); c.1912del, p.Ala638fs (NM_001292027.2, NM_001374498.1); c.1564del, p.Ala522fs (NM_001292028.2); c.1975del, p.Ala659fs (NM_001374497.1); c.1657del, p.Ala553fs (NM_001374499.1); c.1543del, p.Ala515fs (NM_001374500.1); c.1573del, p.Ala525fs (NM_001374501.1, NM_001374502.1, NM_001374503.1); short protein forms A515fs, A522fs, A525fs, A553fs, A638fs, A644fs, A659fs, A662fs.
Identifiers: ClinVar variation 1333681 (VCV001333681.1), dbSNP rs2126896727, ClinGen allele CA2573052394.